The following is an entry in ClinVar:

NM_000245.4(MET):c.1953A>C (p.Thr651=)

Gene: MET (MET proto-oncogene, receptor tyrosine kinase; plus strand). Cytogenetic location: 7q31.2.
Variant type: single nucleotide variant.
Coding change: c.1953A>C on transcript NM_000245.4 (MANE Select); coding-DNA position 1953, A replaced by C.
Protein change: p.Thr651=; no amino-acid change (threonine 651 retained).
Molecular consequence: synonymous variant.
Genome position (GRCh38, 1-based): chr7:116,757,527, A>C. VCF-style: chr7-116757527-A-C. GRCh37 (hg19) VCF-style: chr7-116397581-A-C.
Other names: c.1953A>C, p.Thr651= (NM_001127500.3, NM_001324401.3); c.663A>C, p.Thr221= (NM_001324402.2).
Identifiers: ClinVar variation 3773268 (VCV003773268.2).

ClinVar aggregate classification (germline): Benign/Likely benign. Review status: criteria provided, multiple submitters, no conflicts (2 of 4 stars). 2 submissions from 2 submitters: Benign (1); Likely benign (1). Last evaluated 2026-05-27.

Conditions:
Hereditary cancer-predisposing syndrome. Also called: Hereditary Cancer Syndrome; Hereditary neoplastic syndrome; Neoplastic Syndromes, Hereditary; Tumor predisposition. Identifiers: Orphanet 140162, MedGen C0027672, MeSH D009386, MONDO:0015356.
Papillary renal cell carcinoma type 1 (RCCP1). Also called: Renal adenocarcinoma; Renal cell carcinoma 1; Renal cell carcinoma, somatic; RENAL CELL CARCINOMA, PAPILLARY, 1, SOMATIC. Identifiers: Orphanet 47044, MedGen C1336839, OMIM 605074, HP:0011797.

gnomAD v4.1: 1 of 1,613,698 alleles (0.000062%); highest among the groups gnomAD compares: Non-Finnish European, 0.000085%; no homozygotes.

Submissions (2):

Ambry Genetics
Classification: Likely benign for Hereditary cancer-predisposing syndrome. Last evaluated: 2026-05-27. Review status: criteria provided, single submitter. Criteria: Ambry Variant Classification Scheme 2023. Collection method: clinical testing. Allele origin: germline.

Myriad Genetics, Inc.
Classification: Benign for Papillary renal cell carcinoma type 1. Last evaluated: 2024-11-08. Review status: criteria provided, single submitter. Criteria: Myriad Autosomal Dominant, Autosomal Recessive and X-Linked Classification Criteria (2023). Collection method: clinical testing. Allele origin: unknown.
Comment: This variant is considered benign. This variant is a silent/synonymous amino acid change and it is not expected to impact splicing.